The following is an entry in ClinVar:

ClinVar aggregate classification (germline): Uncertain significance (1 of 4 stars; one submission).

Conditions:
Facioscapulohumeral muscular dystrophy 2 (FSHD2). Also called: MUSCULAR DYSTROPHY, FACIOSCAPULOHUMERAL, TYPE 1B; FACIOSCAPULOHUMERAL MUSCULAR DYSTROPHY 2, DIGENIC; FSHD2, DIGENIC. Identifiers: Orphanet 269, MedGen C1834671, MONDO:0008031, OMIM 158901.

Allele frequency attached by ClinVar (database versions not stated): TOPMed below 0.00001; gnomAD 0.00001.

Submission:

Labcorp Genetics (formerly Invitae), Labcorp
Classification: Uncertain significance for Facioscapulohumeral muscular dystrophy 2. Last evaluated: 2025-06-07. Review status: criteria provided, single submitter. Criteria: Invitae Variant Classification Sherloc (09022015). Collection method: clinical testing. Allele origin: germline.
Comment: This sequence change falls in intron 2 of the SMCHD1 gene. It does not directly change the encoded amino acid sequence of the SMCHD1 protein. It affects a nucleotide within the consensus splice site. This variant is not present in population databases (gnomAD no frequency). This variant has not been reported in the literature in individuals affected with SMCHD1-related conditions. ClinVar contains an entry for this variant (Variation ID: 1400019). Variants that disrupt the consensus splice site are a relatively common cause of aberrant splicing (PMID: 17576681, 9536098). Algorithms developed to predict the effect of sequence changes on RNA splicing suggest that this variant is not likely to affect RNA splicing. In summary, the available evidence is currently insufficient to determine the role of this variant in disease. Therefore, it has been classified as a Variant of Uncertain Significance.

Literature cited by the submitters: PubMed 17576681; PubMed 9536098.

NM_015295.3(SMCHD1):c.262+4G>A

Gene: SMCHD1 (structural maintenance of chromosomes flexible hinge domain containing 1; plus strand). Cytogenetic location: 18p11.32.
Variant type: single nucleotide variant.
Coding change: c.262+4G>A on transcript NM_015295.3 (MANE Select); 4 bases into the intron after coding-DNA position 262, G replaced by A.
Molecular consequence: intron variant.
Genome position (GRCh38, 1-based): chr18:2,666,236, G>A. VCF-style: chr18-2666236-G-A. GRCh37 (hg19) VCF-style: chr18-2666235-G-A.
Identifiers: ClinVar variation 1400019 (VCV001400019.6), dbSNP rs1390219024, ClinGen allele CA628052897.